The following is an entry in ClinVar:

ClinVar aggregate classification (germline): Uncertain significance (1 of 4 stars; one submission).

Conditions:
Usher syndrome type 3B. Also called: USHER SYNDROME, TYPE IIIB. Identifiers: MedGen C3281066, MONDO:0013788, OMIM 614504.

Submission:

Labcorp Genetics (formerly Invitae), Labcorp
Classification: Uncertain significance for Usher syndrome type 3B. Last evaluated: 2025-09-01. Review status: criteria provided, single submitter. Criteria: Invitae Variant Classification Sherloc (09022015). Collection method: clinical testing. Allele origin: germline.
Comment: This sequence change replaces proline, which is neutral and non-polar, with leucine, which is neutral and non-polar, at codon 344 of the HARS protein (p.Pro344Leu). This variant is not present in population databases (gnomAD no frequency). This variant has not been reported in the literature in individuals affected with HARS-related conditions. An algorithm developed to predict the effect of missense changes on protein structure and function (PolyPhen-2) suggests that this variant is likely to be tolerated. In summary, the available evidence is currently insufficient to determine the role of this variant in disease. Therefore, it has been classified as a Variant of Uncertain Significance.

NM_002109.6(HARS1):c.1031C>T (p.Pro344Leu)

Gene: HARS1 (histidyl-tRNA synthetase 1; minus strand). Cytogenetic location: 5q31.3.
Variant type: single nucleotide variant.
Coding change: c.1031C>T on transcript NM_002109.6 (MANE Select); coding-DNA position 1031, C replaced by T.
Protein change: p.Pro344Leu; replaces proline 344 with leucine.
Molecular consequence: missense variant.
Genome position (GRCh38, 1-based): chr5:140,676,817, G>A on the plus strand (C>T on the coding strand, the complement: HARS1 is on the minus strand). VCF-style: chr5-140676817-G-A. GRCh37 (hg19) VCF-style: chr5-140056402-G-A.
Other names: c.911C>T, p.Pro304Leu (NM_001258040.3); c.971C>T, p.Pro324Leu (NM_001258041.3); c.851C>T, p.Pro284Leu (NM_001258042.3); c.809C>T, p.Pro270Leu (NM_001289092.2); c.689C>T, p.Pro230Leu (NM_001289093.2); c.944C>T, p.Pro315Leu (NM_001289094.2); short protein forms P230L, P304L, P270L, P284L, P315L, P324L, P344L.
Identifiers: ClinVar variation 4766864 (VCV004766864.1).